The following is an entry in ClinVar:

ClinVar aggregate classification (germline): Pathogenic. Review status: criteria provided, multiple submitters, no conflicts (2 of 4 stars). 4 submissions from 4 submitters: Pathogenic (3). 1 of the submissions does not count toward it. Last evaluated 2025-10-31.

Conditions:
Inherited breast cancer and ovarian cancer.
Hereditary breast ovarian cancer syndrome. Also called: Hereditary breast and ovarian cancer; Hereditary breast and/or ovarian cancer syndrome; Hereditary breast and ovarian cancer syndrome (HBOC); Breast and ovarian cancer; BRCA1- and BRCA2-Associated Hereditary Breast and Ovarian Cancer; Hereditary breast and ovarian cancer syndrome. Identifiers: Orphanet 145, MedGen C0677776, MeSH D061325, MONDO:0003582. Disease mechanism: loss of function.
Hereditary cancer-predisposing syndrome. Also called: Tumor predisposition; Hereditary Cancer Syndrome; Hereditary neoplastic syndrome; Neoplastic Syndromes, Hereditary. Identifiers: Orphanet 140162, MedGen C0027672, MeSH D009386, MONDO:0015356.
Breast-ovarian cancer, familial, susceptibility to, 2 (BROVCA2). Also called: BRCA2 Hereditary Breast and Ovarian Cancer. Identifiers: Orphanet 145, MedGen C2675520, MONDO:0012933, OMIM 612555. Disease mechanism: loss of function.

Submissions (4):

Genetics Laboratory, Great Ormond Street Hospital NHS Foundation Trust, North Thames Genomic Laboratory Hub
Classification: Pathogenic for Inherited breast cancer and ovarian cancer. Last evaluated: 2025-10-31. Review status: criteria provided, single submitter. Criteria: CanVIG BRCA Gene Specific V1.22. Collection method: clinical testing. Allele origin: germline. Affected: yes.
Comment: PM2_moderate, PVS1_very-strong, PM5_strong

Labcorp Genetics (formerly Invitae), Labcorp
Classification: Pathogenic for Hereditary breast ovarian cancer syndrome. Last evaluated: 2025-10-23. Review status: criteria provided, single submitter. Criteria: Invitae Variant Classification Sherloc (09022015). Collection method: clinical testing. Allele origin: germline.
Comment: This sequence change creates a premature translational stop signal (p.Leu103Phefs*10) in the BRCA2 gene. It is expected to result in an absent or disrupted protein product. Loss-of-function variants in BRCA2 are known to be pathogenic (PMID: 20104584). This variant is not present in population databases (gnomAD no frequency). This variant has not been reported in the literature in individuals affected with BRCA2-related conditions. ClinVar contains an entry for this variant (Variation ID: 371869). For these reasons, this variant has been classified as Pathogenic.

Color Diagnostics, LLC DBA Color Health
Classification: Pathogenic for Hereditary cancer-predisposing syndrome. Last evaluated: 2021-07-26. Review status: criteria provided, single submitter. Criteria: ACMG Guidelines, 2015. Collection method: clinical testing. Allele origin: germline.
Comment: This variant inserts 1 nucleotide in exon 3 of the BRCA2 gene, creating a frameshift and premature translation stop signal. This variant is expected to result in an absent or non-functional protein product. To our knowledge, this variant has not been reported in individuals affected with hereditary cancer in the literature. This variant has not been identified in the general population by the Genome Aggregation Database (gnomAD). Loss of BRCA2 function is a known mechanism of disease. Based on the available evidence, this variant is classified as Pathogenic.

Counsyl
Classification: Likely pathogenic for Breast-ovarian cancer, familial, susceptibility to, 2. Last evaluated: 2016-06-16. Review status: no assertion criteria provided. Collection method: clinical testing. Allele origin: unknown. Not counted in ClinVar's aggregate classification.

Literature cited by the submitters: PubMed 20104584 (cited by Labcorp Genetics (formerly Invitae), Labcorp).

NM_000059.4(BRCA2):c.308dup (p.Leu103fs)

Gene: BRCA2 (BRCA2 DNA repair associated; plus strand). Cytogenetic location: 13q13.1.
Variant type: Duplication.
Coding change: c.308dup on transcript NM_000059.4 (MANE Select); coding-DNA position 308, one base duplicated (T; older notation c.308dupT).
Protein change: p.Leu103fs; shifts the reading frame from leucine 103.
Molecular consequence: frameshift variant.
Genome position (GRCh38, 1-based): chr13:32,319,317, T duplicated; the last of 2 consecutive T bases (chr13:32,319,316-32,319,317); duplicating either gives the same sequence. VCF-style (leftmost placement, unchanged base first): chr13-32319315-A-AT. GRCh37 (hg19) VCF-style: chr13-32893452-A-AT.
Other names: c.308dupT (NM_000059.3); short protein forms L103fs.
Identifiers: ClinVar variation 371869 (VCV000371869.13), dbSNP rs1057517572, ClinGen allele CA16042136.
Genomic context (GRCh38, chr13:32,319,315, plus strand): 5'-AGAGCAAGGGCTGACTCTGCCGCTGTACCAATCTCCTGTAAAAGAATTAGATAAATTCAA[A>AT]TTAGACTTAGGTAAGTAATGCAATATGGTAGACTGGGGAGAACTACAAACTAGGAATTTA-3'